The following is an entry in ClinVar:

ClinVar aggregate classification (germline): Uncertain significance. Review status: criteria provided, multiple submitters, no conflicts (2 of 4 stars). 2 submissions from 2 submitters: Uncertain significance (2). Last evaluated 2025-12-29.

Conditions:
Inborn genetic diseases. Identifiers: MedGen C0950123, MeSH D030342.
Familial cold autoinflammatory syndrome 2 (FCAS2). Identifiers: Orphanet 247868, MedGen C2673198, MONDO:0012724, OMIM 611762.

Allele frequency attached by ClinVar (database versions not stated): ExAC 0.00002; gnomAD 0.00002 and 0.00003; gnomAD exomes 0.00002; TOPMed 0.00004; ESP Exome Variant Server 0.00008.

Submissions (2):

Labcorp Genetics (formerly Invitae), Labcorp
Classification: Uncertain significance for Familial cold autoinflammatory syndrome 2. Last evaluated: 2025-12-29. Review status: criteria provided, single submitter. Criteria: Invitae Variant Classification Sherloc (09022015). Collection method: clinical testing. Allele origin: germline.
Comment: This sequence change replaces glutamic acid, which is acidic and polar, with lysine, which is basic and polar, at codon 875 of the NLRP12 protein (p.Glu875Lys). This variant is present in population databases (rs376225539, gnomAD 0.004%). This variant has not been reported in the literature in individuals affected with NLRP12-related conditions. ClinVar contains an entry for this variant (Variation ID: 850468). An algorithm developed to predict the effect of missense changes on protein structure and function (PolyPhen-2) suggests that this variant is likely to be tolerated. In summary, the available evidence is currently insufficient to determine the role of this variant in disease. Therefore, it has been classified as a Variant of Uncertain Significance.

Ambry Genetics
Classification: Uncertain significance for Inborn genetic diseases. Last evaluated: 2024-07-26. Review status: criteria provided, single submitter. Criteria: Ambry Variant Classification Scheme 2023. Collection method: clinical testing. Allele origin: germline.

NM_144687.4(NLRP12):c.2623G>A (p.Glu875Lys)

Gene: NLRP12 (NLR family pyrin domain containing 12; minus strand). Cytogenetic location: 19q13.42.
Variant type: single nucleotide variant.
Coding change: c.2623G>A on transcript NM_144687.4 (MANE Select); coding-DNA position 2623, G replaced by A.
Protein change: p.Glu875Lys; replaces glutamic acid 875 with lysine.
Molecular consequence: missense variant.
Genome position (GRCh38, 1-based): chr19:53,801,360, C>T on the plus strand (G>A on the coding strand, the complement: NLRP12 is on the minus strand). VCF-style: chr19-53801360-C-T. GRCh37 (hg19) VCF-style: chr19-54304614-C-T.
Other names: c.2626G>A, p.Glu876Lys (NM_001277126.2); c.2623G>A, p.Glu875Lys (NM_001277129.1); c.2623G>A (NM_144687.2); short protein forms E876K, E875K.
Identifiers: ClinVar variation 850468 (VCV000850468.10), dbSNP rs376225539, ClinGen allele CA9638973.
Genomic context (GRCh38, chr19:53,801,360, plus strand): 5'-CATTCAGGCTCAGGTCCAGCTCTCTCAGGCTCTGGTTCACACTGAGAGTTGAGGCCAGCT[C>T]GTCACAGGCAGCAGCAGTGAGGCGGCAGATCTTCAGCCTGCACAAAGTCCAATTCAACAA-3'
Protein context (NP_653288.1, residues 865-885): ICRLTAAACD[Glu875Lys]LASTLSVNQS